The following is an entry in ClinVar:

ClinVar aggregate classification (germline): Pathogenic (1 of 4 stars; one submission).

Conditions:
Isolated microphthalmia 2. Identifiers: Orphanet 2542, MedGen C1864720, MONDO:0012409, OMIM 610093.

Submission:

Labcorp Genetics (formerly Invitae), Labcorp
Classification: Pathogenic for Isolated microphthalmia 2. Last evaluated: 2023-03-07. Review status: criteria provided, single submitter. Criteria: Invitae Variant Classification Sherloc (09022015). Collection method: clinical testing. Allele origin: germline.
Comment: This sequence change creates a premature translational stop signal (p.Gly83Alafs*43) in the VSX2 gene. It is expected to result in an absent or disrupted protein product. Loss-of-function variants in VSX2 are known to be pathogenic (PMID: 20414678). This variant is not present in population databases (gnomAD no frequency). This variant has not been reported in the literature in individuals affected with VSX2-related conditions. For these reasons, this variant has been classified as Pathogenic.

Literature cited by the submitters: PubMed 20414678.

NM_182894.3(VSX2):c.248_249del (p.Gly83fs)

Gene: VSX2 (visual system homeobox 2; plus strand). Cytogenetic location: 14q24.3.
Variant type: Deletion.
Coding change: c.248_249del on transcript NM_182894.3 (MANE Select); coding-DNA positions 248 to 249, 2 bases deleted (GG; older notation c.248_249delGG).
Protein change: p.Gly83fs; shifts the reading frame from glycine 83.
Molecular consequence: frameshift variant.
Genome position (GRCh38, 1-based): chr14:74,239,809-74,239,810, GG deleted; deleting any 2 consecutive bases within chr14:74,239,805-74,239,810 gives the same sequence; the c. name uses the placement nearest the transcript's 3' end. VCF-style (leftmost placement, unchanged base first): chr14-74239804-CGG-C. GRCh37 (hg19) VCF-style: chr14-74706507-CGG-C.
Other names: short protein forms G83fs.
Identifiers: ClinVar variation 2843544 (VCV002843544.3), dbSNP rs1033708386, ClinGen allele CA2739271073.